The following is an entry in ClinVar:

ClinVar aggregate classification (germline): Uncertain significance. Review status: reviewed by expert panel (3 of 4 stars). 4 submissions from 4 submitters: Uncertain significance (1). 3 of the submissions do not count toward it. Last evaluated 2023-07-23.

Conditions:
Phenylketonuria (PKU). Also called: Phenylketonurias; Phenylketonuria (PKU); OLIGOPHRENIA PHENYLPYRUVICA; FOLLING DISEASE. Identifiers: Orphanet 716, MedGen C0031485, MONDO:0009861, OMIM 261600. Disease mechanism: loss of function.

Submissions (4):

ClinGen PAH Variant Curation Expert Panel
Classification: Uncertain significance for Phenylketonuria. Last evaluated: 2023-07-23. Review status: reviewed by expert panel. Criteria: ClinGen PAH ACMG Specifications v1. Collection method: curation. Allele origin: germline. Inheritance: Autosomal recessive inheritance.
Comment: The NM_000277.3:c.353-7_353-5dup variant in PAH is an intronic variant affecting 3 nucleotides in intron 3. To our knowledge, this variant has not been reported in the literature and results of functional studies are unavailable. The highest population minor allele frequency in gnomAD v2.1.1 is 0.00005782 (2/34590 alleles) in the Latino/Admixed American population, which is lower than the ClinGen PAH VCEP’s threshold for PM2_Supporting (<0.0002), meeting this criterion (PM2_Supporting). The computational splicing predictor SpliceAI gives a score of 0.28 for acceptor loss which is neither above nor below the thresholds predicting an impact (>0.5) or no impact (<0.2) on PAH splicing. There is a ClinVar entry for this variant (Variation ID: 552806, 1 star review status) with one submitter classifying the variant as a variant of uncertain significance and one submitter classifying the variant as likely benign. In summary, this variant meets the criteria to be classified as a variant of uncertain significance for PAH deficiency based on the ACMG/AMP criteria applied, as specified by the ClinGen PAH Variant Curation Expert Panel (Specifications Version 2.0): PM2_Supporting.

Labcorp Genetics (formerly Invitae), Labcorp
Classification: Likely benign for Phenylketonuria. Last evaluated: 2023-10-28. Review status: criteria provided, single submitter. Criteria: Invitae Variant Classification Sherloc (09022015). Collection method: clinical testing. Allele origin: germline. Not counted in ClinVar's aggregate classification.

Natera, Inc.
Classification: Uncertain significance for Phenylketonuria. Last evaluated: 2020-04-17. Review status: no assertion criteria provided. Collection method: clinical testing. Allele origin: germline. Not counted in ClinVar's aggregate classification.

Counsyl
Classification: Uncertain significance for Phenylketonuria. Last evaluated: 2017-07-07. Review status: no assertion criteria provided. Collection method: clinical testing. Allele origin: unknown. Not counted in ClinVar's aggregate classification.

NM_000277.3(PAH):c.353-7_353-5dup

Gene: PAH (phenylalanine hydroxylase; minus strand). Cytogenetic location: 12q23.2.
Variant type: Duplication.
Coding change: c.353-7_353-5dup on transcript NM_000277.3 (MANE Select); 7 bases into the intron before coding-DNA position 353 through 5 bases into the intron before coding-DNA position 353, 3 bases duplicated (GTT; older notation c.353-7_353-5dupGTT).
Molecular consequence: intron variant.
Genome position (GRCh38, 1-based): chr12:102,877,555-102,877,557, AAC duplicated on the plus strand (GTT on the coding strand, the reverse complement: PAH is on the minus strand); duplicating any 3 consecutive bases within chr12:102,877,555-102,877,558 gives the same sequence; the c. name uses the placement nearest the transcript's 3' end. VCF-style (leftmost placement, unchanged base first): chr12-102877554-A-AAAC. GRCh37 (hg19) VCF-style: chr12-103271332-A-AAAC.
Other names: c.353-7_353-5dupGTT (NM_000277.3, NM_000277.1); c.353-7_353-5dup (NM_001354304.2).
Identifiers: ClinVar variation 552806 (VCV000552806.13), dbSNP rs1452763334, ClinGen allele CA607158216.